The following is an entry in ClinVar:

NM_030665.4(RAI1):c.943G>A (p.Gly315Arg)

Gene: RAI1 (retinoic acid induced 1; plus strand). Cytogenetic location: 17p11.2.
Variant type: single nucleotide variant.
Coding change: c.943G>A on transcript NM_030665.4 (MANE Select); coding-DNA position 943, G replaced by A.
Protein change: p.Gly315Arg; replaces glycine 315 with arginine.
Molecular consequence: missense variant.
Genome position (GRCh38, 1-based): chr17:17,793,891, G>A. VCF-style: chr17-17793891-G-A. GRCh37 (hg19) VCF-style: chr17-17697205-G-A.
Other names: c.943G>A (NM_030665.3); short protein forms G315R.
Identifiers: ClinVar variation 2886495 (VCV002886495.4), dbSNP rs1240704009, ClinGen allele CA398546549.

ClinVar aggregate classification (germline): Uncertain significance. Review status: criteria provided, multiple submitters, no conflicts (2 of 4 stars). 2 submissions from 2 submitters: Uncertain significance (2). Last evaluated 2024-12-28.

Conditions:
RAI1-related disorder. Also called: RAI1-related condition.

Allele frequency attached by ClinVar (database versions not stated): gnomAD exomes below 0.00001; TOPMed below 0.00001.
gnomAD v4.1: 4 of 1,613,664 alleles (0.00025%); highest among the groups gnomAD compares: East Asian, 0.0022%; no homozygotes.

Submissions (2):

PreventionGenetics, part of Exact Sciences
Classification: Uncertain significance for RAI1-related condition. Last evaluated: 2024-12-28. Review status: criteria provided, single submitter. Criteria: ACMG Guidelines, 2015. Collection method: clinical testing. Allele origin: germline.
Comment: The RAI1 c.943G>A variant is predicted to result in the amino acid substitution p.Gly315Arg. To our knowledge, this variant has not been reported in the literature or in a large population database (gnomAD), indicating this variant is rare. At this time, the clinical significance of this variant is uncertain due to the absence of conclusive functional and genetic evidence.

Labcorp Genetics (formerly Invitae), Labcorp
Classification: Uncertain significance. Last evaluated: 2023-03-16. Review status: criteria provided, single submitter. Criteria: Invitae Variant Classification Sherloc (09022015). Collection method: clinical testing. Allele origin: germline.
Comment: In summary, the available evidence is currently insufficient to determine the role of this variant in disease. Therefore, it has been classified as a Variant of Uncertain Significance. Advanced modeling of protein sequence and biophysical properties (such as structural, functional, and spatial information, amino acid conservation, physicochemical variation, residue mobility, and thermodynamic stability) performed at Invitae indicates that this missense variant is not expected to disrupt RAI1 protein function. This variant has not been reported in the literature in individuals affected with RAI1-related conditions. This variant is not present in population databases (gnomAD no frequency). This sequence change replaces glycine, which is neutral and non-polar, with arginine, which is basic and polar, at codon 315 of the RAI1 protein (p.Gly315Arg).